The following is an entry in ClinVar:

ClinVar aggregate classification (germline): Uncertain significance. Review status: criteria provided, multiple submitters, no conflicts (2 of 4 stars). 2 submissions from 2 submitters: Uncertain significance (2). Last evaluated 2022-04-29.

Allele frequency attached by ClinVar (database versions not stated): gnomAD exomes below 0.00001; gnomAD 0.00001; TOPMed 0.00001; ESP Exome Variant Server 0.00008.
gnomAD v4.1: 9 of 1,614,140 alleles (0.00056%); highest among the groups gnomAD compares: African/African-American, 0.0013%; no homozygotes.

Submissions (2):

Labcorp Genetics (formerly Invitae), Labcorp
Classification: Uncertain significance. Last evaluated: 2022-04-29. Review status: criteria provided, single submitter. Criteria: Invitae Variant Classification Sherloc (09022015). Collection method: clinical testing. Allele origin: germline.
Comment: In summary, the available evidence is currently insufficient to determine the role of this variant in disease. Therefore, it has been classified as a Variant of Uncertain Significance. Algorithms developed to predict the effect of sequence changes on RNA splicing suggest that this variant may create or strengthen a splice site. Advanced modeling of protein sequence and biophysical properties (such as structural, functional, and spatial information, amino acid conservation, physicochemical variation, residue mobility, and thermodynamic stability) performed at Invitae indicates that this missense variant is not expected to disrupt CDHR1 protein function. ClinVar contains an entry for this variant (Variation ID: 1016646). This variant has not been reported in the literature in individuals affected with CDHR1-related conditions. This sequence change replaces lysine, which is basic and polar, with asparagine, which is neutral and polar, at codon 549 of the CDHR1 protein (p.Lys549Asn). This variant is present in population databases (rs375329781, gnomAD 0.002%).

Blueprint Genetics
Classification: Uncertain significance. Last evaluated: 2018-10-19. Review status: criteria provided, single submitter. Criteria: ACMG Guidelines, 2015. Collection method: clinical testing. Allele origin: germline.

NM_033100.4(CDHR1):c.1647G>C (p.Lys549Asn)

Gene: CDHR1 (cadherin related family member 1; plus strand). Cytogenetic location: 10q23.1.
Variant type: single nucleotide variant.
Coding change: c.1647G>C on transcript NM_033100.4 (MANE Select); coding-DNA position 1647, G replaced by C.
Protein change: p.Lys549Asn; replaces lysine 549 with asparagine.
Molecular consequence: missense variant.
Genome position (GRCh38, 1-based): chr10:84,212,272, G>C. VCF-style: chr10-84212272-G-C. GRCh37 (hg19) VCF-style: chr10-85972028-G-C.
Other names: c.1647G>C, p.Lys549Asn (NM_001171971.3); short protein forms K549N.
Identifiers: ClinVar variation 1016646 (VCV001016646.7), dbSNP rs375329781, ClinGen allele CA210386834.